The following is an entry in ClinVar:

ClinVar aggregate classification (germline): Uncertain significance. Review status: criteria provided, multiple submitters, no conflicts (2 of 4 stars). 2 submissions from 2 submitters: Uncertain significance (2). Last evaluated 2025-09-27.

Conditions:
Inborn genetic diseases. Identifiers: MedGen C0950123, MeSH D030342.
Muscle AMP deaminase deficiency (MMDD). Also called: Myoadenylate deaminase deficiency, myopathy due to; Adenosine monophosphate deaminase 1 deficiency; AMP deaminase 1 deficiency; Adenosine Monophosphate Deaminase 1; AMPD1 DEFICIENCY; ADENOSINE MONOPHOSPHATE DEAMINASE-1 DEFICIENCY, MYOPATHY DUE TO. Identifiers: Orphanet 45, MedGen C3714933, MONDO:0014220, OMIM 615511.

gnomAD v4.1: 20 of 1,614,144 alleles (0.0012%); highest among the groups gnomAD compares: South Asian, 0.0055%; no homozygotes.

Submissions (2):

Ambry Genetics
Classification: Uncertain significance for Inborn genetic diseases. Last evaluated: 2025-09-27. Review status: criteria provided, single submitter. Criteria: Ambry Variant Classification Scheme 2023. Collection method: clinical testing. Allele origin: germline.

Labcorp Genetics (formerly Invitae), Labcorp
Classification: Uncertain significance for Muscle AMP deaminase deficiency. Last evaluated: 2022-04-25. Review status: criteria provided, single submitter. Criteria: Invitae Variant Classification Sherloc (09022015). Collection method: clinical testing. Allele origin: germline.
Comment: This sequence change replaces threonine, which is neutral and polar, with isoleucine, which is neutral and non-polar, at codon 272 of the AMPD1 protein (p.Thr272Ile). This variant is present in population databases (rs369064189, gnomAD 0.003%). This variant has not been reported in the literature in individuals affected with AMPD1-related conditions. Algorithms developed to predict the effect of missense changes on protein structure and function output the following: SIFT: "Tolerated"; PolyPhen-2: "Benign"; Align-GVGD: "Class C0". The isoleucine amino acid residue is found in multiple mammalian species, which suggests that this missense change does not adversely affect protein function. In summary, the available evidence is currently insufficient to determine the role of this variant in disease. Therefore, it has been classified as a Variant of Uncertain Significance.

NM_000036.3(AMPD1):c.716C>T (p.Thr239Ile)

Gene: AMPD1 (adenosine monophosphate deaminase 1; minus strand). Cytogenetic location: 1p13.2.
Variant type: single nucleotide variant.
Coding change: c.716C>T on transcript NM_000036.3 (MANE Select); coding-DNA position 716, C replaced by T.
Protein change: p.Thr239Ile; replaces threonine 239 with isoleucine.
Molecular consequence: missense variant.
Genome position (GRCh38, 1-based): chr1:114,680,310, G>A on the plus strand (C>T on the coding strand, the complement: AMPD1 is on the minus strand). VCF-style: chr1-114680310-G-A. GRCh37 (hg19) VCF-style: chr1-115222931-G-A.
Other names: c.704C>T, p.Thr235Ile (NM_001172626.2); c.815C>T (NM_000036.2); short protein forms T235I, T239I.
Identifiers: ClinVar variation 2202411 (VCV002202411.3), dbSNP rs369064189, ClinGen allele CA1020336.